The following is an entry in ClinVar:

NM_147686.4(TRAF3IP2):c.640A>G (p.Arg214Gly)

Genes: TRAF3IP2 (TRAF3 interacting protein 2; minus strand), TRAF3IP2-AS1 (TRAF3IP2 antisense RNA 1; plus strand), LOC114803478 (TRAF3IP2 eExon liver enhancer; plus strand). Cytogenetic location: 6q21.
Variant type: single nucleotide variant.
Coding change: c.640A>G on transcript NM_147686.4 (MANE Select); coding-DNA position 640, A replaced by G.
Protein change: p.Arg214Gly; replaces arginine 214 with glycine.
Molecular consequence: missense variant.
Genome position (GRCh38, 1-based): chr6:111,591,447, T>C on the plus strand (A>G on the coding strand, the complement: TRAF3IP2 is on the minus strand). VCF-style: chr6-111591447-T-C. GRCh37 (hg19) VCF-style: chr6-111912650-T-C.
Other names: c.640A>G, p.Arg214Gly (NM_001164281.3); c.667A>G, p.Arg223Gly (NM_147200.3); short protein forms R223G, R214G.
Identifiers: ClinVar variation 1902351 (VCV001902351.5), dbSNP rs1796510763, ClinGen allele CA365366276.
Genomic context (GRCh38, chr6:111,591,447, plus strand): 5'-TGGACCTGAGAGGTCTGGGGAGGTCCTGGGGGTAACACACGGAGGTGAGGGGCAGGGGCC[T>C]TTCCAGCTGCCTGATGCCCAGGACATCCTGGGGCTGGGAATCATATCCCGTGTCTATGGT-3'
Protein context (NP_679211.2, residues 204-224): QDVLGIRQLE[Arg214Gly]PLPLTSVCYP

ClinVar aggregate classification (germline): Uncertain significance (1 of 4 stars; one submission).

Conditions:
Candidiasis, familial, 8 (CANDF8). Identifiers: Orphanet 1334, MedGen C3714992, MONDO:0014230, OMIM 615527.

Submission:

Labcorp Genetics (formerly Invitae), Labcorp
Classification: Uncertain significance for Candidiasis, familial, 8. Last evaluated: 2026-01-05. Review status: criteria provided, single submitter. Criteria: Invitae Variant Classification Sherloc (09022015). Collection method: clinical testing. Allele origin: germline.
Comment: This sequence change replaces arginine, which is basic and polar, with glycine, which is neutral and non-polar, at codon 214 of the TRAF3IP2 protein (p.Arg214Gly). This variant is not present in population databases (gnomAD no frequency). This variant has not been reported in the literature in individuals affected with TRAF3IP2-related conditions. ClinVar contains an entry for this variant (Variation ID: 1902351). Invitae Evidence Modeling of protein sequence and biophysical properties (such as structural, functional, and spatial information, amino acid conservation, physicochemical variation, residue mobility, and thermodynamic stability) indicates that this missense variant is not expected to disrupt TRAF3IP2 protein function with a negative predictive value of 80%. In summary, the available evidence is currently insufficient to determine the role of this variant in disease. Therefore, it has been classified as a Variant of Uncertain Significance.